The following is an entry in ClinVar:

ClinVar aggregate classification (germline): Uncertain significance (1 of 4 stars; one submission).

Conditions:
Intellectual developmental disorder, autosomal dominant 47. Also called: Intellectual disability, autosomal dominant 47; MENTAL RETARDATION, AUTOSOMAL DOMINANT 47. Identifiers: Orphanet 502434, MedGen C4539951, MONDO:0030912, OMIM 617635.

Submission:

Foundation for Research in Genetics and Endocrinology, FRIGE's Institute of Human Genetics
Classification: Uncertain significance for Intellectual developmental disorder, autosomal dominant 47. Last evaluated: 2022-01-18. Review status: criteria provided, single submitter. Criteria: ACMG Guidelines, 2015. Collection method: clinical testing. Allele origin: germline. Inheritance: Autosomal dominant inheritance. Affected: yes. Observed: 1 heterozygote.
Comment: A heterozygous missense variation in exon 14 of the STAG1 gene that results in the amino acid substitution of Phenylalanine for Leucine at codon 451 (p.Leu451Phe) was detected . The p.Leu451Phe variant has not been reported in the 1000 genomes, gnomAD. The in silico predictions# of the variant are damaging by LRT. The reference codon is conserved across species. In summary, the variant meets our critera to be classified as variant of uncertain significance.

NM_005862.3(STAG1):c.1353A>T (p.Leu451Phe)

Gene: STAG1 (STAG1 cohesin complex component; minus strand). Cytogenetic location: 3q22.3.
Variant type: single nucleotide variant.
Coding change: c.1353A>T on transcript NM_005862.3 (MANE Select); coding-DNA position 1353, A replaced by T.
Protein change: p.Leu451Phe; replaces leucine 451 with phenylalanine.
Molecular consequence: missense variant.
Genome position (GRCh38, 1-based): chr3:136,452,108, T>A on the plus strand (A>T on the coding strand, the complement: STAG1 is on the minus strand). VCF-style: chr3-136452108-T-A. GRCh37 (hg19) VCF-style: chr3-136170950-T-A.
Other names: p.Leu451Phe; short protein forms L451F.
Identifiers: ClinVar variation 1707613 (VCV001707613.3), dbSNP rs2530557816, ClinGen allele CA354648629.